The following is an entry in ClinVar:

NM_032237.5(POMK):c.902T>C (p.Met301Thr)

Gene: POMK (protein O-mannose kinase; plus strand). Cytogenetic location: 8p11.21.
Variant type: single nucleotide variant.
Coding change: c.902T>C on transcript NM_032237.5 (MANE Select); coding-DNA position 902, T replaced by C.
Protein change: p.Met301Thr; replaces methionine 301 with threonine.
Molecular consequence: missense variant.
Genome position (GRCh38, 1-based): chr8:43,122,726, T>C. VCF-style: chr8-43122726-T-C. GRCh37 (hg19) VCF-style: chr8-42977869-T-C.
Other names: c.902T>C, p.Met301Thr (NM_001277971.2); short protein forms M301T.
Identifiers: ClinVar variation 474198 (VCV000474198.19), dbSNP rs33920561, ClinGen allele CA4736374.

ClinVar aggregate classification (germline): Benign/Likely benign. Review status: criteria provided, multiple submitters, no conflicts (2 of 4 stars). 3 submissions from 3 submitters: Benign (1); Likely benign (2). Last evaluated 2026-01-16.

Conditions:
Limb-girdle muscular dystrophy due to POMK deficiency. Also called: Muscular dystrophy-dystroglycanopathy (limb-girdle), type c, 12; MUSCULAR DYSTROPHY-DYSTROGLYCANOPATHY, LIMB-GIRDLE, POMK-RELATED. Identifiers: Orphanet 445110, MedGen C4015184, MONDO:0014489, OMIM 616094.
Muscular dystrophy-dystroglycanopathy (congenital with brain and eye anomalies), type a, 12 (MDDGA12). Also called: WALKER-WARBURG SYNDROME OR MUSCLE-EYE-BRAIN DISEASE, POMK-RELATED. Identifiers: Orphanet 899, MedGen C3808964, MONDO:0014101, OMIM 615249.

Allele frequency attached by ClinVar (database versions not stated): gnomAD exomes 0.00016 and 0.00048; ExAC 0.00061; gnomAD 0.00171 and 0.00181; 1000 Genomes Project 0.00200; TOPMed 0.00201; ESP Exome Variant Server 0.00208; 1000 Genomes Project 30x 0.00219.
gnomAD v4.1: 499 of 1,614,196 alleles (0.031%); highest among the groups gnomAD compares: African/African-American, 0.59%; 2 homozygotes.

Submissions (3):

Labcorp Genetics (formerly Invitae), Labcorp
Classification: Benign for Muscular dystrophy-dystroglycanopathy (congenital with brain and eye anomalies), type a, 12; Limb-girdle muscular dystrophy due to POMK deficiency. Last evaluated: 2026-01-16. Review status: criteria provided, single submitter. Criteria: Invitae Variant Classification Sherloc (09022015). Collection method: clinical testing. Allele origin: germline.

Genetic Services Laboratory, University of Chicago
Classification: Likely benign. Last evaluated: 2020-03-06. Review status: criteria provided, single submitter. Criteria: ACMG Guidelines, 2015. Collection method: clinical testing. Allele origin: germline. Affected: no.

GeneDx
Classification: Likely benign. Last evaluated: 2019-06-14. Review status: criteria provided, single submitter. Criteria: GeneDx Variant Classification Process June 2021. Collection method: clinical testing. Allele origin: germline. Affected: yes.
Comment: In silico analysis, which includes protein predictors and evolutionary conservation, supports that this variant does not alter protein structure/function; Has not been previously published as pathogenic or benign to our knowledge